The following is an entry in ClinVar:

NM_015267.4(CUX2):c.11A>G (p.Asn4Ser)

Gene: CUX2 (cut like homeobox 2; plus strand). Cytogenetic location: 12q24.11.
Variant type: single nucleotide variant.
Coding change: c.11A>G on transcript NM_015267.4 (MANE Select); coding-DNA position 11, A replaced by G.
Protein change: p.Asn4Ser; replaces asparagine 4 with serine.
Molecular consequence: missense variant.
Genome position (GRCh38, 1-based): chr12:111,034,188, A>G. VCF-style: chr12-111034188-A-G. GRCh37 (hg19) VCF-style: chr12-111471992-A-G.
Other names: short protein forms N4S.
Identifiers: ClinVar variation 2712765 (VCV002712765.3), dbSNP rs1031832941, ClinGen allele CA243965926.

ClinVar aggregate classification (germline): Uncertain significance (1 of 4 stars; one submission).

Allele frequency attached by ClinVar (database versions not stated): TOPMed below 0.00001.
gnomAD v4.1: 2 of 1,396,160 alleles (0.00014%); highest among the groups gnomAD compares: South Asian, 0.0012%; no homozygotes.

Submission:

Labcorp Genetics (formerly Invitae), Labcorp
Classification: Uncertain significance. Last evaluated: 2023-06-12. Review status: criteria provided, single submitter. Criteria: Invitae Variant Classification Sherloc (09022015). Collection method: clinical testing. Allele origin: germline.
Comment: This sequence change replaces asparagine, which is neutral and polar, with serine, which is neutral and polar, at codon 4 of the CUX2 protein (p.Asn4Ser). This variant is not present in population databases (gnomAD no frequency). This variant has not been reported in the literature in individuals affected with CUX2-related conditions. In summary, the available evidence is currently insufficient to determine the role of this variant in disease. Therefore, it has been classified as a Variant of Uncertain Significance. An algorithm developed to predict the effect of missense changes on protein structure and function (PolyPhen-2) suggests that this variant is likely to be tolerated.